The following is an entry in ClinVar:

NM_015102.5(NPHP4):c.890T>A (p.Phe297Tyr)

Gene: NPHP4 (nephrocystin 4; minus strand). Cytogenetic location: 1p36.31.
Variant type: single nucleotide variant.
Coding change: c.890T>A on transcript NM_015102.5 (MANE Select); coding-DNA position 890, T replaced by A.
Protein change: p.Phe297Tyr; replaces phenylalanine 297 with tyrosine.
Molecular consequence: missense variant. On other transcripts: 5 prime UTR variant (2), non-coding transcript variant (1).
Genome position (GRCh38, 1-based): chr1:5,948,172, A>T on the plus strand (T>A on the coding strand, the complement: NPHP4 is on the minus strand). VCF-style: chr1-5948172-A-T. GRCh37 (hg19) VCF-style: chr1-6008232-A-T.
Other names: c.-477T>A (NM_001291593.2, NM_001291594.2); short protein forms F297Y.
Identifiers: ClinVar variation 2418126 (VCV002418126.6), dbSNP rs2523145141, ClinGen allele CA338065008.
Genomic context (GRCh38, chr1:5,948,172, plus strand): 5'-GAGCGCGTCAAGGCCACATCCATCTCAGGCACCAGTACAACGACCTGCGGCCTCTGCACG[A>T]AGCCCAGACCATTGTGCACGCCCACACGCAGGCGCCGCTCCAGGATCTCCAGGGCACCAC-3'
Protein context (NP_055917.1, residues 287-307): LRVGVHNGLG[Phe297Tyr]VQRPQVVVLV

ClinVar aggregate classification (germline): Uncertain significance (1 of 4 stars; one submission).

Conditions:
Nephronophthisis. Also called: Juvenile Nephronophthisis. Identifiers: Orphanet 655, MedGen C0687120, MONDO:0019005, HP:0000090.

Allele frequency attached by ClinVar (database versions not stated): gnomAD exomes below 0.00001.
gnomAD v4.1: 1 of 1,613,054 alleles (0.000062%); highest among the groups gnomAD compares: Non-Finnish European, 0.000085%; no homozygotes.

Submission:

Labcorp Genetics (formerly Invitae), Labcorp
Classification: Uncertain significance for Nephronophthisis. Last evaluated: 2022-06-27. Review status: criteria provided, single submitter. Criteria: Invitae Variant Classification Sherloc (09022015). Collection method: clinical testing. Allele origin: germline.
Comment: In summary, the available evidence is currently insufficient to determine the role of this variant in disease. Therefore, it has been classified as a Variant of Uncertain Significance. Algorithms developed to predict the effect of missense changes on protein structure and function are either unavailable or do not agree on the potential impact of this missense change (SIFT: "Tolerated"; PolyPhen-2: "Possibly Damaging"; Align-GVGD: "Class C0"). This variant has not been reported in the literature in individuals affected with NPHP4-related conditions. This variant is not present in population databases (gnomAD no frequency). This sequence change replaces phenylalanine, which is neutral and non-polar, with tyrosine, which is neutral and polar, at codon 297 of the NPHP4 protein (p.Phe297Tyr).